The following is an entry in ClinVar:

NM_001130823.3(DNMT1):c.2950C>G (p.Leu984Val)

Gene: DNMT1 (DNA methyltransferase 1; minus strand). Cytogenetic location: 19p13.2.
Variant type: single nucleotide variant.
Coding change: c.2950C>G on transcript NM_001130823.3 (MANE Select); coding-DNA position 2950, C replaced by G.
Protein change: p.Leu984Val; replaces leucine 984 with valine.
Molecular consequence: missense variant.
Genome position (GRCh38, 1-based): chr19:10,143,932, G>C on the plus strand (C>G on the coding strand, the complement: DNMT1 is on the minus strand). VCF-style: chr19-10143932-G-C. GRCh37 (hg19) VCF-style: chr19-10254608-G-C.
Other names: c.2902C>G, p.Leu968Val (NM_001318730.2, NM_001379.4); c.2587C>G, p.Leu863Val (NM_001318731.2); short protein forms L863V, L968V, L984V.
Identifiers: ClinVar variation 1052436 (VCV001052436.9), dbSNP rs760683699, ClinGen allele CA403975950.

ClinVar aggregate classification (germline): Uncertain significance (1 of 4 stars; one submission).

Conditions:
Hereditary sensory neuropathy-deafness-dementia syndrome. Also called: NEUROPATHY, HEREDITARY SENSORY, WITH HEARING LOSS AND DEMENTIA; Hereditary sensory neuropathy type IE; HSN IE; Hereditary Sensory and Autonomic Neuropathy Type 1E (HSAN1E). Identifiers: Orphanet 456318, MedGen C3279885, MONDO:0013584, OMIM 614116.

gnomAD v4.1: 3 of 1,614,036 alleles (0.00019%); highest among the groups gnomAD compares: Non-Finnish European, 0.00025%; no homozygotes.

Submission:

Labcorp Genetics (formerly Invitae), Labcorp
Classification: Uncertain significance for Hereditary sensory neuropathy-deafness-dementia syndrome. Last evaluated: 2020-02-28. Review status: criteria provided, single submitter. Criteria: Invitae Variant Classification Sherloc (09022015). Collection method: clinical testing. Allele origin: germline.
Comment: This variant has not been reported in the literature in individuals with DNMT1-related conditions. In summary, the available evidence is currently insufficient to determine the role of this variant in disease. Therefore, it has been classified as a Variant of Uncertain Significance. Algorithms developed to predict the effect of missense changes on protein structure and function are either unavailable or do not agree on the potential impact of this missense change (SIFT: "Deleterious"; PolyPhen-2: "Benign"; Align-GVGD: "Class C0"). This variant is not present in population databases (ExAC no frequency). This sequence change replaces leucine with valine at codon 984 of the DNMT1 protein (p.Leu984Val). The leucine residue is highly conserved and there is a small physicochemical difference between leucine and valine.